The following is an entry in ClinVar:

ClinVar aggregate classification (germline): Conflicting classifications of pathogenicity. Review status: criteria provided, conflicting classifications (1 of 4 stars). 2 submissions from 2 submitters: Uncertain significance (1); Likely benign (1). Last evaluated 2023-11-03.

Conditions:
Hereditary cancer-predisposing syndrome. Also called: Hereditary neoplastic syndrome; Neoplastic Syndromes, Hereditary; Tumor predisposition; Hereditary Cancer Syndrome. Identifiers: Orphanet 140162, MedGen C0027672, MeSH D009386, MONDO:0015356.
Familial adenomatous polyposis 2. Also called: MYH-associated polyposis; MUTYH-related attenuated familial adenomatous polyposis; FAP type 2; COLORECTAL ADENOMATOUS POLYPOSIS, AUTOSOMAL RECESSIVE; ADENOMAS, MULTIPLE COLORECTAL, AUTOSOMAL RECESSIVE; MUTYH-associated polyposis. Identifiers: Orphanet 220460, Orphanet 247798, MedGen C3272841, MONDO:0012041, OMIM 608456.

Allele frequency attached by ClinVar (database versions not stated): gnomAD exomes below 0.00001.
gnomAD v4.1: 1 of 1,612,978 alleles (0.000062%); highest among the groups gnomAD compares: Non-Finnish European, 0.000085%; no homozygotes.

Submissions (2):

Ambry Genetics
Classification: Uncertain significance for Hereditary cancer-predisposing syndrome. Last evaluated: 2023-11-03. Review status: criteria provided, single submitter. Criteria: Ambry Variant Classification Scheme 2023. Collection method: clinical testing. Allele origin: germline.
Comment: The c.1519-5C>T intronic variant results from a C to T substitution 5 nucleotides upstream from coding exon 16 in the MUTYH gene. This nucleotide position is well conserved in available vertebrate species. In silico splice site analysis predicts that this alteration will not have any significant effect on splicing. Since supporting evidence is limited at this time, the clinical significance of this alteration remains unclear.

Labcorp Genetics (formerly Invitae), Labcorp
Classification: Likely benign for Familial adenomatous polyposis 2. Last evaluated: 2023-04-10. Review status: criteria provided, single submitter. Criteria: Invitae Variant Classification Sherloc (09022015). Collection method: clinical testing. Allele origin: germline.

NM_001048174.2(MUTYH):c.1435-5C>T

Gene: MUTYH (mutY DNA glycosylase; minus strand). Cytogenetic location: 1p34.1.
Variant type: single nucleotide variant.
Coding change: c.1435-5C>T on transcript NM_001048174.2 (MANE Select); 5 bases into the intron before coding-DNA position 1435, C replaced by T.
Molecular consequence: intron variant.
Genome position (GRCh38, 1-based): chr1:45,329,442, G>A on the plus strand (C>T on the coding strand, the complement: MUTYH is on the minus strand). VCF-style: chr1-45329442-G-A. GRCh37 (hg19) VCF-style: chr1-45795114-G-A.
Other names: c.1519-5C>T (NM_001128425.1, NM_001128425.2); c.1435-5C>T (NM_001407072.1, NM_001407073.1, NM_001048171.2 and 6 more transcripts); c.1090-5C>T (NM_001350651.2, NM_001350650.2, NM_001407082.1); c.1159-5C>T (NM_001293192.2, NM_001293196.2, NM_001407091.1); c.1480-5C>T (NM_001293190.2); c.1468-5C>T (NM_001407069.1, NM_001407077.1, NM_001293191.2); c.1510-5C>T (NM_012222.3); c.1438-5C>T (NM_001407071.1, NM_001048172.2, NM_001407078.1 and 1 more transcripts); and 5 more.
Identifiers: ClinVar variation 2914039 (VCV002914039.4), dbSNP rs886046365, ClinGen allele CA2645381967.